The following is an entry in ClinVar:

ClinVar aggregate classification (germline): Benign. Review status: criteria provided, multiple submitters, no conflicts (2 of 4 stars). 3 submissions from 3 submitters: Benign (3). Last evaluated 2026-01-20.

Conditions:
ADCY10-related disorder. Also called: ADCY10-related condition.

Allele frequency attached by ClinVar (database versions not stated): gnomAD exomes 0.00062 and 0.00163; ExAC 0.00182; gnomAD 0.00612 and 0.00655; TOPMed 0.00658; 1000 Genomes Project 0.00699; ESP Exome Variant Server 0.00700; 1000 Genomes Project 30x 0.00734.
gnomAD v4.1: 1,887 of 1,614,184 alleles (0.12%); highest among the groups gnomAD compares: African/African-American, 2.1%; 23 homozygotes.

Submissions (3):

PreventionGenetics, part of Exact Sciences
Classification: Benign for ADCY10-related condition. Last evaluated: 2026-01-20. Review status: criteria provided, single submitter. Criteria: ACMG Guidelines, 2015. Collection method: clinical testing. Allele origin: germline.
Comment: This variant is classified as benign based on ACMG/AMP sequence variant interpretation guidelines (Richards et al. 2015 PMID: 25741868, with internal and published modifications).

Labcorp Genetics (formerly Invitae), Labcorp
Classification: Benign. Last evaluated: 2026-01-06. Review status: criteria provided, single submitter. Criteria: Invitae Variant Classification Sherloc (09022015). Collection method: clinical testing. Allele origin: germline.

Breakthrough Genomics
Classification: Benign. Review status: criteria provided, single submitter. Criteria: ACMG Guidelines, 2015. Collection method: not provided. Allele origin: germline. Inheritance: Autosomal dominant inheritance. Affected: yes.

NM_018417.6(ADCY10):c.3999C>T (p.Asn1333=)

Gene: ADCY10 (adenylate cyclase 10; minus strand). Cytogenetic location: 1q24.2.
Variant type: single nucleotide variant.
Coding change: c.3999C>T on transcript NM_018417.6 (MANE Select); coding-DNA position 3999, C replaced by T.
Protein change: p.Asn1333=; no amino-acid change (asparagine 1333 retained).
Molecular consequence: synonymous variant.
Genome position (GRCh38, 1-based): chr1:167,824,529, G>A on the plus strand (C>T on the coding strand, the complement: ADCY10 is on the minus strand). VCF-style: chr1-167824529-G-A. GRCh37 (hg19) VCF-style: chr1-167793767-G-A.
Other names: c.3540C>T, p.Asn1180= (NM_001167749.3); c.3723C>T, p.Asn1241= (NM_001297772.2).
Identifiers: ClinVar variation 731293 (VCV000731293.12), dbSNP rs7531790, ClinGen allele CA1227184.